The following is an entry in ClinVar:

NM_001297.5(CNGB1):c.3079G>A (p.Val1027Met)

Gene: CNGB1 (cyclic nucleotide gated channel subunit beta 1; minus strand). Cytogenetic location: 16q21.
Variant type: single nucleotide variant.
Coding change: c.3079G>A on transcript NM_001297.5 (MANE Select); coding-DNA position 3079, G replaced by A.
Protein change: p.Val1027Met; replaces valine 1027 with methionine.
Molecular consequence: missense variant.
Genome position (GRCh38, 1-based): chr16:57,897,812, C>T on the plus strand (G>A on the coding strand, the complement: CNGB1 is on the minus strand). VCF-style: chr16-57897812-C-T. GRCh37 (hg19) VCF-style: chr16-57931716-C-T.
Other names: c.3061G>A, p.Val1021Met (NM_001286130.2); c.3079G>A (NM_001297.4); short protein forms V1021M, V1027M.
Identifiers: ClinVar variation 2183953 (VCV002183953.5), dbSNP rs747053697, ClinGen allele CA8082701.

ClinVar aggregate classification (germline): Uncertain significance. Review status: criteria provided, multiple submitters, no conflicts (2 of 4 stars). 2 submissions from 2 submitters: Uncertain significance (2). Last evaluated 2025-03-20.

Conditions:
Inborn genetic diseases. Identifiers: MedGen C0950123, MeSH D030342.

Allele frequency attached by ClinVar (database versions not stated): gnomAD 0.00001; TOPMed 0.00001; gnomAD exomes 0.00005.
gnomAD v4.1: 70 of 1,614,134 alleles (0.0043%); highest among the groups gnomAD compares: Non-Finnish European, 0.0058%; no homozygotes.

Submissions (2):

Ambry Genetics
Classification: Uncertain significance for Inborn genetic diseases. Last evaluated: 2025-03-20. Review status: criteria provided, single submitter. Criteria: Ambry Variant Classification Scheme 2023. Collection method: clinical testing. Allele origin: germline.

Labcorp Genetics (formerly Invitae), Labcorp
Classification: Uncertain significance. Last evaluated: 2022-05-16. Review status: criteria provided, single submitter. Criteria: Invitae Variant Classification Sherloc (09022015). Collection method: clinical testing. Allele origin: germline.
Comment: This variant has not been reported in the literature in individuals affected with CNGB1-related conditions. In summary, the available evidence is currently insufficient to determine the role of this variant in disease. Therefore, it has been classified as a Variant of Uncertain Significance. Advanced modeling of protein sequence and biophysical properties (such as structural, functional, and spatial information, amino acid conservation, physicochemical variation, residue mobility, and thermodynamic stability) performed at Invitae indicates that this missense variant is expected to disrupt CNGB1 protein function. This variant is present in population databases (rs747053697, gnomAD 0.004%). This sequence change replaces valine, which is neutral and non-polar, with methionine, which is neutral and non-polar, at codon 1027 of the CNGB1 protein (p.Val1027Met).